The following is an entry in ClinVar:

NM_000059.4(BRCA2):c.6067G>A (p.Asp2023Asn)

Gene: BRCA2 (BRCA2 DNA repair associated; plus strand). Cytogenetic location: 13q13.1.
Variant type: single nucleotide variant.
Coding change: c.6067G>A on transcript NM_000059.4 (MANE Select); coding-DNA position 6067, G replaced by A.
Protein change: p.Asp2023Asn; replaces aspartic acid 2023 with asparagine.
Molecular consequence: missense variant.
Genome position (GRCh38, 1-based): chr13:32,340,422, G>A. VCF-style: chr13-32340422-G-A. GRCh37 (hg19) VCF-style: chr13-32914559-G-A.
Other names: c.6067G>A, p.Asp2023Asn (NM_001406719.1, NM_001406720.1); short protein forms D2023N.
Identifiers: ClinVar variation 2111709 (VCV002111709.6), dbSNP rs1478738690, ClinGen allele CA387787949.

ClinVar aggregate classification (germline): Conflicting classifications of pathogenicity. Review status: criteria provided, conflicting classifications (1 of 4 stars). 2 submissions from 2 submitters: Uncertain significance (1); Likely benign (1). Last evaluated 2025-11-18.

Conditions:
Hereditary cancer-predisposing syndrome. Also called: Neoplastic Syndromes, Hereditary; Hereditary Cancer Syndrome; Hereditary neoplastic syndrome; Tumor predisposition. Identifiers: Orphanet 140162, MedGen C0027672, MeSH D009386, MONDO:0015356.
Hereditary breast ovarian cancer syndrome. Also called: Hereditary breast and ovarian cancer syndrome; BRCA1- and BRCA2-Associated Hereditary Breast and Ovarian Cancer; Hereditary breast and ovarian cancer; Hereditary breast and/or ovarian cancer syndrome; Hereditary breast and ovarian cancer syndrome (HBOC); Breast and ovarian cancer. Identifiers: Orphanet 145, MedGen C0677776, MeSH D061325, MONDO:0003582. Disease mechanism: loss of function.

Submissions (2):

Labcorp Genetics (formerly Invitae), Labcorp
Classification: Uncertain significance for Hereditary breast ovarian cancer syndrome. Last evaluated: 2025-11-18. Review status: criteria provided, single submitter. Criteria: Invitae Variant Classification Sherloc (09022015). Collection method: clinical testing. Allele origin: germline.
Comment: This sequence change replaces aspartic acid, which is acidic and polar, with asparagine, which is neutral and polar, at codon 2023 of the BRCA2 protein (p.Asp2023Asn). This variant is not present in population databases (gnomAD no frequency). This variant has not been reported in the literature in individuals affected with BRCA2-related conditions. ClinVar contains an entry for this variant (Variation ID: 2111709). Invitae Evidence Modeling of protein sequence and biophysical properties (such as structural, functional, and spatial information, amino acid conservation, physicochemical variation, residue mobility, and thermodynamic stability) indicates that this missense variant is not expected to disrupt BRCA2 protein function with a negative predictive value of 95%. In summary, the available evidence is currently insufficient to determine the role of this variant in disease. Therefore, it has been classified as a Variant of Uncertain Significance.

University of Washington Department of Laboratory Medicine, University of Washington
Classification: Likely benign for Hereditary cancer-predisposing syndrome. Last evaluated: 2023-03-23. Review status: criteria provided, single submitter. Criteria: Dines et al. (Genet Med. 2020). Collection method: curation. Allele origin: germline.
Comment: Missense variant in a coldspot region where missense variants are very unlikely to be pathogenic (PMID:31911673).

BRCA2 exon 11 coldspot. Reclassification based on statistical prior probability.